The following is an entry in ClinVar:

NM_004064.5(CDKN1B):c.454del (p.Arg152fs)

Gene: CDKN1B (cyclin dependent kinase inhibitor 1B; plus strand). Cytogenetic location: 12p13.1.
Variant type: Deletion.
Coding change: c.454del on transcript NM_004064.5 (MANE Select); coding-DNA position 454, one base deleted (A; older notation c.454delA).
Protein change: p.Arg152fs; shifts the reading frame from arginine 152.
Molecular consequence: frameshift variant.
Genome position (GRCh38, 1-based): chr12:12,718,293, A deleted; the last of 2 consecutive A bases (chr12:12,718,292-12,718,293); deleting either gives the same sequence. VCF-style (leftmost placement, unchanged base first): chr12-12718291-TA-T. GRCh37 (hg19) VCF-style: chr12-12871225-TA-T.
Other names: short protein forms R152fs.
Identifiers: ClinVar variation 4868616 (VCV004868616.1).
Genomic context (GRCh38, chr12:12,718,291, plus strand): 5'-TGGACCCAAAGACTGATCCGTCGGACAGCCAGACGGGGTTAGCGGAGCAATGCGCAGGAA[TA>T]AGGAAGCGACCTGCAACCGACGGTAATGACCCTTTCCCAACCATAGAATGTGTTTGGGGC-3'

ClinVar aggregate classification (germline): Pathogenic (1 of 4 stars; one submission).

Conditions:
Hereditary cancer-predisposing syndrome. Also called: Neoplastic Syndromes, Hereditary; Tumor predisposition; Hereditary Cancer Syndrome; Hereditary neoplastic syndrome. Identifiers: Orphanet 140162, MedGen C0027672, MeSH D009386, MONDO:0015356.

Submission:

Ambry Genetics
Classification: Pathogenic for Hereditary cancer-predisposing syndrome. Last evaluated: 2026-04-07. Review status: criteria provided, single submitter. Criteria: Ambry Variant Classification Scheme 2023. Collection method: clinical testing. Allele origin: germline.
Comment: The c.454delA variant, located in coding exon 1 of the CDKN1B gene, results from a deletion of one nucleotide at nucleotide position 454, causing a translational frameshift with a predicted alternate stop codon (p.R152Gfs*73). This variant occurs at the 3' terminus of thegene, is not expected to trigger nonsense-mediated mRNAdecay and results in the elongation of the protein by 26 amino acids. This frameshift impacts the last 47amino acids of the native protein. However, frameshifts are typically deleterious in nature, the impacted region is critical for protein function, and a significant portion of the protein is affected (Ambry internal data). This variant is considered to be rare based on population cohorts in the Genome Aggregation Database (gnomAD). Based on the supporting evidence, this variant is interpreted as a disease-causing mutation.